The following is an entry in ClinVar:

NM_001365480.1(CCDC88A):c.1832G>C (p.Arg611Thr)

Gene: CCDC88A (coiled-coil and HOOK domain protein 88A; minus strand). Cytogenetic location: 2p16.1.
Variant type: single nucleotide variant.
Coding change: c.1832G>C on transcript NM_001365480.1 (MANE Select); coding-DNA position 1832, G replaced by C.
Protein change: p.Arg611Thr; replaces arginine 611 with threonine.
Molecular consequence: missense variant.
Genome position (GRCh38, 1-based): chr2:55,334,989, C>G on the plus strand (G>C on the coding strand, the complement: CCDC88A is on the minus strand). VCF-style: chr2-55334989-C-G. GRCh37 (hg19) VCF-style: chr2-55562125-C-G.
Other names: c.1832G>C, p.Arg611Thr (NM_001135597.2, NM_001254943.2, NM_018084.5); short protein forms R611T.
Identifiers: ClinVar variation 1713856 (VCV001713856.5), dbSNP rs2544837311, ClinGen allele CA346901858.

ClinVar aggregate classification (germline): Uncertain significance (1 of 4 stars; one submission).

Submission:

Labcorp Genetics (formerly Invitae), Labcorp
Classification: Uncertain significance. Last evaluated: 2023-12-06. Review status: criteria provided, single submitter. Criteria: Invitae Variant Classification Sherloc (09022015). Collection method: clinical testing. Allele origin: germline.
Comment: This sequence change replaces arginine, which is basic and polar, with threonine, which is neutral and polar, at codon 611 of the CCDC88A protein (p.Arg611Thr). This variant is not present in population databases (gnomAD no frequency). This variant has not been reported in the literature in individuals affected with CCDC88A-related conditions. ClinVar contains an entry for this variant (Variation ID: 1713856). An algorithm developed to predict the effect of missense changes on protein structure and function (PolyPhen-2) suggests that this variant is likely to be tolerated. In summary, the available evidence is currently insufficient to determine the role of this variant in disease. Therefore, it has been classified as a Variant of Uncertain Significance.